The following is an entry in ClinVar:

ClinVar aggregate classification (germline): Uncertain significance (1 of 4 stars; one submission).

Submission:

Genetic Services Laboratory, University of Chicago
Classification: Uncertain significance. Last evaluated: 2021-07-01. Review status: criteria provided, single submitter. Criteria: ACMG Guidelines, 2015. Collection method: clinical testing. Allele origin: germline. Affected: no.
Comment: DNA sequence analysis of the NBN gene demonstrated a sequence change, c.1836C>G, in exon 11 that results in an amino acid change, p.Ser612Arg. This sequence change has not been described in population databases including the gnomAD database. The p.Ser612Arg change affects a poorly conserved amino acid residue located in a domain of the NBN protein that is known to be functional. The p.Ser612Arg substitution appears to be benign using several in-silico pathogenicity prediction tools (SIFT, PolyPhen2, Align GVGD, REVEL). This sequence change does not appear to have been previously described in individuals with NBN-related disorders. Due to insufficient evidences and the lack of functional studies, the clinical significance of the p.Ser612Arg change remains unknown at this time.

NM_002485.5(NBN):c.1836C>G (p.Ser612Arg)

Gene: NBN (nibrin; minus strand). Cytogenetic location: 8q21.3.
Variant type: single nucleotide variant.
Coding change: c.1836C>G on transcript NM_002485.5 (MANE Select); coding-DNA position 1836, C replaced by G.
Protein change: p.Ser612Arg; replaces serine 612 with arginine.
Molecular consequence: missense variant.
Genome position (GRCh38, 1-based): chr8:89,953,253, G>C on the plus strand (C>G on the coding strand, the complement: NBN is on the minus strand). VCF-style: chr8-89953253-G-C. GRCh37 (hg19) VCF-style: chr8-90965481-G-C.
Other names: c.1590C>G, p.Ser530Arg (NM_001024688.3); short protein forms S530R, S612R.
Identifiers: ClinVar variation 1337997 (VCV001337997.4), dbSNP rs2129695819, ClinGen allele CA371654980.